The following is an entry in ClinVar:

ClinVar aggregate classification (germline): Uncertain significance (1 of 4 stars; one submission).

Conditions:
Charcot-Marie-Tooth disease axonal type 2O. Also called: Charcot-Marie-Tooth disease, axonal, type 20; CHARCOT-MARIE-TOOTH NEUROPATHY, AXONAL, TYPE 2O; CHARCOT-MARIE-TOOTH DISEASE, AXONAL, AUTOSOMAL DOMINANT, TYPE 2O; Charcot-Marie-Tooth Neuropathy Type 2O. Identifiers: Orphanet 284232, MedGen C3280220, MONDO:0013644, OMIM 614228.

gnomAD v4.1: 1 of 1,614,226 alleles (0.000062%); highest among the groups gnomAD compares: Non-Finnish European, 0.000085%; no homozygotes.

Submission:

Labcorp Genetics (formerly Invitae), Labcorp
Classification: Uncertain significance for Charcot-Marie-Tooth disease axonal type 2O. Last evaluated: 2023-12-08. Review status: criteria provided, single submitter. Criteria: Invitae Variant Classification Sherloc (09022015). Collection method: clinical testing. Allele origin: germline.
Comment: This sequence change replaces threonine, which is neutral and polar, with alanine, which is neutral and non-polar, at codon 1731 of the DYNC1H1 protein (p.Thr1731Ala). This variant is not present in population databases (gnomAD no frequency). This variant has not been reported in the literature in individuals affected with DYNC1H1-related conditions. Advanced modeling of protein sequence and biophysical properties (such as structural, functional, and spatial information, amino acid conservation, physicochemical variation, residue mobility, and thermodynamic stability) performed at Invitae indicates that this missense variant is not expected to disrupt DYNC1H1 protein function with a negative predictive value of 95%. In summary, the available evidence is currently insufficient to determine the role of this variant in disease. Therefore, it has been classified as a Variant of Uncertain Significance.

NM_001376.5(DYNC1H1):c.5191A>G (p.Thr1731Ala)

Gene: DYNC1H1 (dynein cytoplasmic 1 heavy chain 1; plus strand). Cytogenetic location: 14q32.31.
Variant type: single nucleotide variant.
Coding change: c.5191A>G on transcript NM_001376.5 (MANE Select); coding-DNA position 5191, A replaced by G.
Protein change: p.Thr1731Ala; replaces threonine 1731 with alanine.
Molecular consequence: missense variant.
Genome position (GRCh38, 1-based): chr14:102,004,903, A>G. VCF-style: chr14-102004903-A-G. GRCh37 (hg19) VCF-style: chr14-102471240-A-G.
Other names: short protein forms T1731A.
Identifiers: ClinVar variation 2701448 (VCV002701448.3), dbSNP rs1567007982, ClinGen allele CA391045608.